The following is an entry in ClinVar:

NM_000138.5(FBN1):c.7571-76T>A

Gene: FBN1 (fibrillin 1; minus strand). Cytogenetic location: 15q21.1.
Variant type: single nucleotide variant.
Coding change: c.7571-76T>A on transcript NM_000138.5 (MANE Select); 76 bases into the intron before coding-DNA position 7571, T replaced by A.
Molecular consequence: intron variant.
Genome position (GRCh38, 1-based): chr15:48,421,762, A>T on the plus strand (T>A on the coding strand, the complement: FBN1 is on the minus strand). VCF-style: chr15-48421762-A-T. GRCh37 (hg19) VCF-style: chr15-48713959-A-T.
Identifiers: ClinVar variation 675294 (VCV000675294.2), dbSNP rs73390302, ClinGen allele CA269519895.

ClinVar aggregate classification (germline): Benign. Review status: criteria provided, multiple submitters, no conflicts (2 of 4 stars). 2 submissions from 2 submitters: Benign (2). Last evaluated 2018-06-14.

Allele frequency attached by ClinVar (database versions not stated): gnomAD exomes 0.00488; gnomAD 0.02416 and 0.02587; 1000 Genomes Project 0.02536; 1000 Genomes Project 30x 0.02655; TOPMed 0.02672.
gnomAD v4.1: 10,575 of 1,555,890 alleles (0.68%); highest among the groups gnomAD compares: African/African-American, 8.1%; 264 homozygotes.

Submissions (2):

GeneDx
Classification: Benign. Last evaluated: 2018-06-14. Review status: criteria provided, single submitter. Criteria: GeneDx Variant Classification (06012015). Collection method: clinical testing. Allele origin: germline. Affected: yes.
Comment: This variant is considered likely benign or benign based on one or more of the following criteria: it is a conservative change, it occurs at a poorly conserved position in the protein, it is predicted to be benign by multiple in silico algorithms, and/or has population frequency not consistent with disease.

Breakthrough Genomics
Classification: Benign. Review status: criteria provided, single submitter. Criteria: ACMG Guidelines, 2015. Collection method: not provided. Allele origin: germline. Inheritance: Autosomal dominant inheritance. Affected: yes.